The following is an entry in ClinVar:

NM_007078.3(LDB3):c.236C>T (p.Thr79Ile)

Gene: LDB3 (LIM domain binding 3; plus strand). Cytogenetic location: 10q23.2.
Variant type: single nucleotide variant.
Coding change: c.236C>T on transcript NM_007078.3 (MANE Select); coding-DNA position 236, C replaced by T.
Protein change: p.Thr79Ile; replaces threonine 79 with isoleucine.
Molecular consequence: missense variant.
Genome position (GRCh38, 1-based): chr10:86,679,509, C>T. VCF-style: chr10-86679509-C-T. GRCh37 (hg19) VCF-style: chr10-88439266-C-T.
Other names: c.236C>T, p.Thr79Ile (NM_001080116.1, NM_001080114.2, NM_001080115.2 and 8 more transcripts); short protein forms T79I.
Identifiers: ClinVar variation 439858 (VCV000439858.15), dbSNP rs397517221, ClinGen allele CA211209463.

ClinVar aggregate classification (germline): Uncertain significance. Review status: criteria provided, multiple submitters, no conflicts (2 of 4 stars). 4 submissions from 4 submitters: Uncertain significance (4). Last evaluated 2025-03-24.

Conditions:
Myofibrillar myopathy 4. Also called: Zaspopathy (type). Identifiers: Orphanet 98912, MedGen C4721886, MONDO:0012277, OMIM 609452.
Dilated cardiomyopathy 1C (CMD1C). Also called: Cardiomyopathy, dilated, 1C, with or without LVNC; CARDIOMYOPATHY, DILATED, 1C, WITH OR WITHOUT LEFT VENTRICULAR NONCOMPACTION. Identifiers: Orphanet 154, Orphanet 54260, MedGen C1832244, MONDO:0011094, OMIM 601493.

Allele frequency attached by ClinVar (database versions not stated): gnomAD exomes 0.00003 and below 0.00001; TOPMed 0.00002; gnomAD 0.00001 and 0.00002.
gnomAD v4.1: 51 of 1,613,930 alleles (0.0032%); highest among the groups gnomAD compares: East Asian, 0.0067%; no homozygotes.

Submissions (4):

Labcorp Genetics (formerly Invitae), Labcorp
Classification: Uncertain significance for Myofibrillar myopathy 4. Last evaluated: 2025-03-24. Review status: criteria provided, single submitter. Criteria: Invitae Variant Classification Sherloc (09022015). Collection method: clinical testing. Allele origin: germline.
Comment: This sequence change replaces threonine, which is neutral and polar, with isoleucine, which is neutral and non-polar, at codon 79 of the LDB3 protein (p.Thr79Ile). This variant is present in population databases (rs397517221, gnomAD 0.0009%). This variant has not been reported in the literature in individuals affected with LDB3-related conditions. ClinVar contains an entry for this variant (Variation ID: 439858). An algorithm developed to predict the effect of missense changes on protein structure and function (PolyPhen-2) suggests that this variant is likely to be disruptive. In summary, the available evidence is currently insufficient to determine the role of this variant in disease. Therefore, it has been classified as a Variant of Uncertain Significance.

Revvity Omics, Revvity
Classification: Uncertain significance. Last evaluated: 2024-04-03. Review status: criteria provided, single submitter. Criteria: ACMG Guidelines, 2015. Collection method: clinical testing. Allele origin: germline.

Fulgent Genetics
Classification: Uncertain significance for Dilated cardiomyopathy 1C; Myofibrillar myopathy 4. Last evaluated: 2021-08-11. Review status: criteria provided, single submitter. Criteria: ACMG Guidelines, 2015. Collection method: clinical testing. Allele origin: unknown.

ARUP Laboratories, Molecular Genetics and Genomics, ARUP Laboratories
Classification: Uncertain significance. Last evaluated: 2017-05-17. Review status: criteria provided, single submitter. Criteria: ARUP Molecular Germline Variant Investigation Process. Collection method: clinical testing. Allele origin: germline.
Comment: The p.Thr79Ile variant (rs397517221) has not been reported in the medical literature nor has it been previously identified in our laboratory; however, it is listed in the ClinVar database as a variant of uncertain significance (Variation ID: 45541). It is listed in the Genome Aggregation Database (gnomAD) browser with an overall frequency of 0.0004% (identified in 1 out of 245,870 chromosomes). The threonine at codon 79 is highly conserved considering 11 species up to Cow (Alamut software v2.9), and computational analyses suggest this variant has a significant effect on LDB3 protein structure/function (SIFT: damaging, PolyPhen2: probably damaging, and Mutation Taster: disease causing). However, based on the available information, the clinical significance of the p.Thr79Ile variant cannot be determined with certainty.